The following is an entry in ClinVar:

NM_001042492.3(NF1):c.2640G>A (p.Val880=)

Gene: NF1 (neurofibromin 1; plus strand). Cytogenetic location: 17q11.2.
Variant type: single nucleotide variant.
Coding change: c.2640G>A on transcript NM_001042492.3 (MANE Select); coding-DNA position 2640, G replaced by A.
Protein change: p.Val880=; no amino-acid change (valine 880 retained).
Molecular consequence: synonymous variant.
Genome position (GRCh38, 1-based): chr17:31,229,255, G>A. VCF-style: chr17-31229255-G-A. GRCh37 (hg19) VCF-style: chr17-29556273-G-A.
Other names: c.2640G>A, p.Val880= (NM_000267.4).
Identifiers: ClinVar variation 185771 (VCV000185771.27), dbSNP rs786202443, ClinGen allele CA192879.

ClinVar aggregate classification (germline): Benign/Likely benign. Review status: criteria provided, multiple submitters, no conflicts (2 of 4 stars). 7 submissions from 7 submitters: Benign (1); Likely benign (6). Last evaluated 2026-05-18.

Conditions:
Hereditary cancer-predisposing syndrome. Also called: Tumor predisposition; Neoplastic Syndromes, Hereditary; Hereditary Cancer Syndrome; Hereditary neoplastic syndrome. Identifiers: Orphanet 140162, MedGen C0027672, MeSH D009386, MONDO:0015356.
Neurofibromatosis, type 1 (NF1). Also called: Peripheral type neurofibromatosis; Neurofibromatosis, type I; NEUROFIBROMATOSIS, TYPE I, SOMATIC; VON RECKLINGHAUSEN DISEASE. Identifiers: Orphanet 636, MedGen C0027831, MONDO:0018975, OMIM 162200. Disease mechanism: loss of function.

Allele frequency attached by ClinVar (database versions not stated): gnomAD exomes below 0.00001 and 0.00002; gnomAD 0.00001; TOPMed 0.00002.
gnomAD v4.1: 29 of 1,612,946 alleles (0.0018%); highest among the groups gnomAD compares: African/African-American, 0.0027%; no homozygotes.

Submissions (7):

Myriad Genetics, Inc.
Classification: Benign for Neurofibromatosis, type 1. Last evaluated: 2026-05-18. Review status: criteria provided, single submitter. Criteria: Myriad Autosomal Dominant, Autosomal Recessive and X-Linked Classification Criteria (2023). Collection method: clinical testing. Allele origin: unknown.
Comment: This variant is considered benign. This variant is a silent/synonymous amino acid change and it is not expected to impact splicing.

CeGaT Center for Human Genetics Tuebingen
Classification: Likely benign. Last evaluated: 2026-05-01. Review status: criteria provided, single submitter. Criteria: CeGaT Center For Human Genetics Tuebingen Variant Classification Criteria Version 2. Collection method: clinical testing. Allele origin: germline. Affected: yes. Observed: 2 variant alleles.
Comment: NF1: BP4, BP7

Labcorp Genetics (formerly Invitae), Labcorp
Classification: Likely benign for Neurofibromatosis, type 1. Last evaluated: 2026-01-27. Review status: criteria provided, single submitter. Criteria: Invitae Variant Classification Sherloc (09022015). Collection method: clinical testing. Allele origin: germline.

Blueprint Genetics
Classification: Likely benign. Last evaluated: 2024-07-18. Review status: criteria provided, single submitter. Criteria: ACMG Guidelines, 2015. Collection method: clinical testing. Allele origin: germline.

Genome-Nilou Lab
Classification: Likely benign for Neurofibromatosis, type 1. Last evaluated: 2022-03-15. Review status: criteria provided, single submitter. Criteria: ACMG Guidelines, 2015. Collection method: clinical testing. Allele origin: germline. Affected: no.

GeneDx
Classification: Likely benign. Last evaluated: 2017-12-29. Review status: criteria provided, single submitter. Criteria: GeneDx Variant Classification (06012015). Collection method: clinical testing. Allele origin: germline. Affected: yes.
Comment: This variant is considered likely benign or benign based on one or more of the following criteria: it is a conservative change, it occurs at a poorly conserved position in the protein, it is predicted to be benign by multiple in silico algorithms, and/or has population frequency not consistent with disease.

Ambry Genetics
Classification: Likely benign for Hereditary cancer-predisposing syndrome. Last evaluated: 2014-08-12. Review status: criteria provided, single submitter. Criteria: Ambry Autosomal Dominant and X-Linked criteria (10/2015). Collection method: clinical testing. Allele origin: germline. Observed: 1 variant allele.